The following is an entry in ClinVar:

ClinVar aggregate classification (germline): Pathogenic. Review status: criteria provided, multiple submitters, no conflicts (2 of 4 stars). 2 submissions from 2 submitters: Pathogenic (2). Last evaluated 2021-10-04.

Conditions:
Ataxia-telangiectasia syndrome (AT). Also called: Cerebello-oculocutaneous telangiectasia; Immunodeficiency with ataxia telangiectasia; Ataxia telangiectasia (A-T); Ataxia-telangiectasia, complementation group E; LOUIS-BAR SYNDROME; Ataxia-telangiectasia. Identifiers: Orphanet 100, MedGen C0004135, MONDO:0008840, OMIM 208900.
Hereditary cancer-predisposing syndrome. Also called: Hereditary neoplastic syndrome; Tumor predisposition; Hereditary Cancer Syndrome; Neoplastic Syndromes, Hereditary. Identifiers: Orphanet 140162, MedGen C0027672, MeSH D009386, MONDO:0015356.

Submissions (2):

Labcorp Genetics (formerly Invitae), Labcorp
Classification: Pathogenic for Ataxia-telangiectasia syndrome. Last evaluated: 2021-10-04. Review status: criteria provided, single submitter. Criteria: Invitae Variant Classification Sherloc (09022015). Collection method: clinical testing. Allele origin: germline.
Comment: This variant has not been reported in the literature in individuals with ATM-related disease. This variant is not present in population databases (ExAC no frequency). This sequence change creates a premature translational stop signal (p.Met1484Glyfs*6) in the ATM gene. It is expected to result in an absent or disrupted protein product. Loss-of-function variants in ATM are known to be pathogenic (PMID: 23807571, 25614872). For these reasons, this variant has been classified as Pathogenic.

Ambry Genetics
Classification: Pathogenic for Hereditary cancer-predisposing syndrome. Last evaluated: 2021-06-22. Review status: criteria provided, single submitter. Criteria: Ambry Variant Classification Scheme 2023. Collection method: clinical testing. Allele origin: germline.
Comment: The c.4450_4451delAT pathogenic mutation, located in coding exon 29 of the ATM gene, results from a deletion of two nucleotides at nucleotide positions 4450 to 4451, causing a translational frameshift with a predicted alternate stop codon (p.M1484Gfs*6). This alteration is expected to result in loss of function by premature protein truncation or nonsense-mediated mRNA decay. As such, this alteration is interpreted as a disease-causing mutation.

Literature cited by the submitters: PubMed 23807571 (cited by Labcorp Genetics (formerly Invitae), Labcorp); PubMed 25614872 (cited by Labcorp Genetics (formerly Invitae), Labcorp).

NM_000051.4(ATM):c.4450_4451del (p.Met1484fs)

Gene: ATM (ATM serine/threonine kinase; plus strand). Cytogenetic location: 11q22.3.
Variant type: Deletion.
Coding change: c.4450_4451del on transcript NM_000051.4 (MANE Select); coding-DNA positions 4450 to 4451, 2 bases deleted (AT; older notation c.4450_4451delAT).
Protein change: p.Met1484fs; shifts the reading frame from methionine 1484.
Molecular consequence: frameshift variant.
Genome position (GRCh38, 1-based): chr11:108,292,632-108,292,633, AT deleted. VCF-style (leftmost placement, unchanged base first): chr11-108292631-CAT-C. GRCh37 (hg19) VCF-style: chr11-108163358-CAT-C.
Other names: c.4450_4451delAT (NM_000051.3); c.4450_4451del, p.Met1484fs (NM_001351834.2); short protein forms M1484fs.
Identifiers: ClinVar variation 575413 (VCV000575413.9), dbSNP rs1565460896, ClinGen allele CA891842924.